The following is an entry in ClinVar:

NM_004304.5(ALK):c.4297GAG[2] (p.Glu1435del)

Gene: ALK (ALK receptor tyrosine kinase; minus strand). Cytogenetic location: 2p23.2.
Variant type: Microsatellite.
Coding change: c.4297GAG[2] on transcript NM_004304.5 (MANE Select); two copies in a row of the 3-base unit GAG starting at c.4297; the reference has three copies in a row; one copy, 3 bases deleted; also written c.4303_4305del.
Protein change: p.Glu1435del; deletes glutamic acid 1435.
Molecular consequence: inframe deletion.
Genome position (GRCh38, 1-based): chr2:29,193,782-29,193,784, CTC deleted on the plus strand (GAG on the coding strand, the reverse complement: ALK is on the minus strand); deleting any 3 consecutive bases within chr2:29,193,782-29,193,791 gives the same sequence; the position shown is the placement nearest the transcript's 3' end. VCF-style (leftmost placement, unchanged base first): chr2-29193781-GCTC-G. GRCh37 (hg19) VCF-style: chr2-29416647-GCTC-G.
Other names: p.Glu1435del; c.4303_4305del (NM_004304.4, NM_004304.5); c.1093GAG[2], p.Glu367del (NM_001353765.2); short protein forms E1435del, E367del.
Identifiers: ClinVar variation 133471 (VCV000133471.27), dbSNP rs138827116, ClinGen allele CA156629.
Genomic context (GRCh38, chr2:29,193,781, plus strand): 5'-GTTTCTTTGCAGCCTTGCCAGAGGAGGTGGTAGGCAGAGGTGGTGGGGCAGCTGGGCTGC[GCTC>G]CTCCTCCCGTTTTGCCTGTTGAGAGACCAGGAGAGGAGGAACCCCCTCAGGGTCCTTGGG-3'

ClinVar aggregate classification (germline): Benign/Likely benign. Review status: criteria provided, multiple submitters, no conflicts (2 of 4 stars). 8 submissions from 8 submitters: Benign (3); Likely benign (3). 2 of the submissions do not count toward it. Last evaluated 2026-02-04.

Conditions:
Hereditary cancer-predisposing syndrome. Also called: Tumor predisposition; Hereditary neoplastic syndrome; Neoplastic Syndromes, Hereditary; Hereditary Cancer Syndrome. Identifiers: Orphanet 140162, MedGen C0027672, MeSH D009386, MONDO:0015356.
Neuroblastoma, susceptibility to, 3. Also called: ALK-Related Neuroblastic Tumor Susceptibility. Identifiers: Orphanet 635, MedGen C2751681, MONDO:0013083, OMIM 613014.

Submissions (8):

Labcorp Genetics (formerly Invitae), Labcorp
Classification: Benign for Neuroblastoma, susceptibility to, 3. Last evaluated: 2026-02-04. Review status: criteria provided, single submitter. Criteria: Invitae Variant Classification Sherloc (09022015). Collection method: clinical testing. Allele origin: germline.

Mayo Clinic Laboratories, Mayo Clinic
Classification: Likely benign. Last evaluated: 2025-06-11. Review status: criteria provided, single submitter. Criteria: ACMG Guidelines, 2015. Collection method: clinical testing. Allele origin: germline. Observed: 1 variant allele.
Comment: BS1

ARUP Laboratories, Molecular Genetics and Genomics, ARUP Laboratories
Classification: Likely benign for Neuroblastoma, susceptibility to, 3. Last evaluated: 2024-02-27. Review status: criteria provided, single submitter. Criteria: ARUP Molecular Germline Variant Investigation Process 2024. Collection method: clinical testing. Allele origin: germline.

Women's Health and Genetics/Laboratory Corporation of America, LabCorp
Classification: Likely benign. Last evaluated: 2023-04-27. Review status: criteria provided, single submitter. Criteria: LabCorp Variant Classification Summary - May 2015. Collection method: clinical testing. Allele origin: germline.

Ambry Genetics
Classification: Benign for Hereditary cancer-predisposing syndrome. Last evaluated: 2018-09-24. Review status: criteria provided, single submitter. Criteria: Ambry Variant Classification Scheme 2023. Collection method: clinical testing. Allele origin: germline.

Eurofins Ntd Llc (ga)
Classification: Benign. Last evaluated: 2015-09-01. Review status: criteria provided, single submitter. Criteria: EGL Classification Definitions 2015. Collection method: clinical testing. Allele origin: germline. Observed: 1 variant allele, 1 heterozygote.

ITMI
No classification provided. Condition: AllHighlyPenetrant. Last evaluated: 2013-09-19. Review status: no classification provided. Collection method: reference population. Allele origin: germline. Not counted in ClinVar's aggregate classification.
Comment: Please see associated publication for description of ethnicities

Department of Pathology and Laboratory Medicine, Sinai Health System
Classification: Likely benign. Review status: no assertion criteria provided. Collection method: clinical testing. Allele origin: unknown. Affected: yes. Study: The Canadian Open Genetics Repository (COGR). Not counted in ClinVar's aggregate classification.
Comment: The ALK p.Glu1435del variant was not identified in the literature nor was it identified in Cosmic or LOVD 3.0. The variant was identified in dbSNP (ID: rs138827116) and in ClinVar (classified as likely benign by EGL Genetics and Illumina and as benign by Invitae). The variant was identified in control databases in 488 of 266110 chromosomes (4 homozygous) at a frequency of 0.001834 increasing the likelihood this could be a low frequency benign variant (Genome Aggregation Database Feb 27, 2017). The variant was observed in the following populations: African in 456 of 24732 chromosomes (freq: 0.01844), Other in 4 of 6686 chromosomes (freq: 0.000598), Latino in 18 of 33230 chromosomes (freq: 0.000542), Ashkenazi Jewish in 2 of 8558 chromosomes (freq: 0.000234), European (non-Finnish) in 7 of 122668 chromosomes (freq: 0.000057) and South Asian in 1 of 26748 chromosomes (freq: 0.000037); it was not observed in the East Asian and European (Finnish) populations. This variant is an in-frame deletion resulting in the removal of a glutamic acid (Glu) residue at codon 1435; the impact of this alteration on ALK protein function is not known. In summary, based on the above information the clinical significance of this variant cannot be determined with certainty at this time although we would lean towards a more benign role for this variant. This variant is classified as likely benign.

Literature cited by the submitters: PubMed 24728327 (cited by ITMI).